The following is an entry in ClinVar:

ClinVar aggregate classification (germline): Likely benign (1 of 4 stars; one submission).

Allele frequency attached by ClinVar (database versions not stated): gnomAD exomes 0.00021; ExAC 0.00072; gnomAD 0.00214; TOPMed 0.00250; 1000 Genomes Project 0.00260; 1000 Genomes Project 30x 0.00265; ESP Exome Variant Server 0.00270.
gnomAD v4.1: 624 of 1,583,656 alleles (0.039%); highest among the groups gnomAD compares: African/African-American, 0.77%; 3 homozygotes.

Submission:

CeGaT Center for Human Genetics Tuebingen
Classification: Likely benign. Last evaluated: 2023-04-01. Review status: criteria provided, single submitter. Criteria: CeGaT Center For Human Genetics Tuebingen Variant Classification Criteria Version 2. Collection method: clinical testing. Allele origin: germline. Affected: yes. Observed: 1 variant allele.
Comment: SENP6: BP4, BP7

NM_015571.4(SENP6):c.1968A>G (p.Val656=)

Gene: SENP6 (SUMO specific peptidase 6; plus strand). Cytogenetic location: 6q14.1.
Variant type: single nucleotide variant.
Coding change: c.1968A>G on transcript NM_015571.4 (MANE Select); coding-DNA position 1968, A replaced by G.
Protein change: p.Val656=; no amino-acid change (valine 656 retained).
Molecular consequence: synonymous variant.
Genome position (GRCh38, 1-based): chr6:75,678,820, A>G. VCF-style: chr6-75678820-A-G. GRCh37 (hg19) VCF-style: chr6-76388536-A-G.
Other names: c.1947A>G, p.Val649= (NM_001100409.3, NM_001304792.2).
Identifiers: ClinVar variation 2656710 (VCV002656710.24), dbSNP rs190783749, ClinGen allele CA3896376.
Genomic context (GRCh38, chr6:75,678,820, plus strand): 5'-TGTATATATATATAGATTTGTTTATTTGCTTGCCTTCTAATTTTGTTACAGGTTGATAGT[A>G]TATCCACCACCTCCAGCTAAGGGAGGCATCTCTGTTACCAATGAGGACCTGCACTGTCTA-3'
Protein context (NP_056386.2, residues 646-666): IFIGPVEKLI[Val656=]YPPPPAKGGI